The following is an entry in ClinVar:

NM_001368894.2(PAX6):c.415dup (p.Arg139fs)

Gene: PAX6 (paired box 6; minus strand). Cytogenetic location: 11p13.
Variant type: Duplication.
Coding change: c.415dup on transcript NM_001368894.2 (MANE Select); coding-DNA position 415, one base duplicated (A; older notation c.415dupA).
Protein change: p.Arg139fs; shifts the reading frame from arginine 139.
Molecular consequence: frameshift variant. On other transcripts: 5 prime UTR variant (14), non-coding transcript variant (2).
Genome position (GRCh38, 1-based): chr11:31,800,841, T duplicated on the plus strand (A on the coding strand, the reverse complement: PAX6 is on the minus strand). VCF-style (leftmost placement, unchanged base first): chr11-31800840-C-CT. GRCh37 (hg19) VCF-style: chr11-31822388-C-CT.
Other names: c.373dup, p.Arg125fs (NM_000280.6, NM_001127612.3, NM_001258464.2 and 10 more transcripts); c.415dup, p.Arg139fs (NM_001258462.3, NM_001258463.2, NM_001310158.2 and 6 more transcripts); c.-36dup (NM_001310160.2, NM_001310161.3, NM_001368899.2 and 11 more transcripts); c.616dup, p.Arg206fs (NM_001368910.2); c.418dup, p.Arg140fs (NM_001368911.2); c.490dup, p.Arg164fs (NM_001368918.2, NM_001368919.2); c.448dup, p.Arg150fs (NM_001368920.2); c.214dup, p.Arg72fs (NM_001368921.2, NM_001368922.2, NM_001368923.2 and 4 more transcripts); and 1 more; short protein forms R140fs, R164fs, R125fs, R139fs, R72fs, R150fs, R206fs, R58fs.
Identifiers: ClinVar variation 800433 (VCV000800433.3), dbSNP rs1592532169, ClinGen allele CA915948057.

ClinVar aggregate classification (germline): Pathogenic. Review status: criteria provided, single submitter (1 of 4 stars). 2 submissions from 2 submitters: Pathogenic (1). 1 of the submissions does not count toward it. Last evaluated 2025-03-27.

Conditions:
Aniridia 1 (AN1). Identifiers: Orphanet 250923, MedGen C0344542, MONDO:0024507, OMIM 106210.
Irido-corneo-trabecular dysgenesis (ASGD5). Also called: ANTERIOR SEGMENT DYSGENESIS 5. Identifiers: Orphanet 708, MedGen C0344559, MONDO:0011414, OMIM 604229, HP:0000659.

Submissions (2):

Labcorp Genetics (formerly Invitae), Labcorp
Classification: Pathogenic for Aniridia 1; Irido-corneo-trabecular dysgenesis. Last evaluated: 2025-03-27. Review status: criteria provided, single submitter. Criteria: Invitae Variant Classification Sherloc (09022015). Collection method: clinical testing. Allele origin: germline.
Comment: This sequence change creates a premature translational stop signal (p.Arg125Lysfs*8) in the PAX6 gene. It is expected to result in an absent or disrupted protein product. Loss-of-function variants in PAX6 are known to be pathogenic (PMID: 12634864). This variant is not present in population databases (gnomAD no frequency). This variant has not been reported in the literature in individuals affected with PAX6-related conditions. ClinVar contains an entry for this variant (Variation ID: 800433). For these reasons, this variant has been classified as Pathogenic.

Wessex Regional Genetics Laboratory, Salisbury District Hospital
Classification: Pathogenic for Aniridia 1. Last evaluated: 2019-08-15. Review status: no assertion criteria provided. Criteria: ACMG Guidelines, 2015. Collection method: clinical testing. Allele origin: unknown. Inheritance: Autosomal dominant inheritance. Affected: yes. Not counted in ClinVar's aggregate classification.

Literature cited by the submitters: PubMed 12634864 (cited by Labcorp Genetics (formerly Invitae), Labcorp).